The following is an entry in ClinVar:

ClinVar aggregate classification (germline): Uncertain significance. Review status: criteria provided, single submitter (1 of 4 stars). 2 submissions from 2 submitters: Uncertain significance (1). 1 of the submissions does not count toward it. Last evaluated 2024-12-13.

Conditions:
Inborn genetic diseases. Identifiers: MedGen C0950123, MeSH D030342.
DYRK1B-related disorder. Also called: DYRK1B-related condition.

Allele frequency attached by ClinVar (database versions not stated): gnomAD 0.00001; gnomAD exomes 0.00002; TOPMed 0.00002.
gnomAD v4.1: 25 of 1,584,572 alleles (0.0016%); highest among the groups gnomAD compares: Middle Eastern, 0.017%; no homozygotes.

Submissions (2):

Ambry Genetics
Classification: Uncertain significance for Inborn genetic diseases. Last evaluated: 2024-12-13. Review status: criteria provided, single submitter. Criteria: Ambry Variant Classification Scheme 2023. Collection method: clinical testing. Allele origin: germline.

PreventionGenetics, part of Exact Sciences
Classification: Uncertain significance for DYRK1B-related condition. Last evaluated: 2024-02-06. Review status: no assertion criteria provided. Collection method: clinical testing. Allele origin: germline. Not counted in ClinVar's aggregate classification.
Comment: The DYRK1B c.1718C>G variant is predicted to result in the amino acid substitution p.Ala573Gly. To our knowledge, this variant has not been reported in the literature. This variant is reported in 0.0021% of alleles in individuals of European (Non-Finnish) descent in gnomAD. At this time, the clinical significance of this variant is uncertain due to the absence of conclusive functional and genetic evidence.

NM_004714.3(DYRK1B):c.1718C>G (p.Ala573Gly)

Gene: DYRK1B (dual specificity tyrosine phosphorylation regulated kinase 1B; minus strand). Cytogenetic location: 19q13.2.
Variant type: single nucleotide variant.
Coding change: c.1718C>G on transcript NM_004714.3 (MANE Select); coding-DNA position 1718, C replaced by G.
Protein change: p.Ala573Gly; replaces alanine 573 with glycine.
Molecular consequence: missense variant.
Genome position (GRCh38, 1-based): chr19:39,825,887, G>C on the plus strand (C>G on the coding strand, the complement: DYRK1B is on the minus strand). VCF-style: chr19-39825887-G-C. GRCh37 (hg19) VCF-style: chr19-40316527-G-C.
Other names: c.1598C>G, p.Ala533Gly (NM_006483.3); c.1634C>G, p.Ala545Gly (NM_006484.3); c.1718C>G (NM_004714.1); short protein forms A533G, A545G, A573G.
Identifiers: ClinVar variation 2634671 (VCV002634671.4), dbSNP rs1236287085, ClinGen allele CA405820877.